The following is an entry in ClinVar:

NM_020822.3(KCNT1):c.1770-116C>A

Gene: KCNT1 (potassium sodium-activated channel subfamily T member 1; plus strand). Cytogenetic location: 9q34.3.
Variant type: single nucleotide variant.
Coding change: c.1770-116C>A on transcript NM_020822.3 (MANE Select); 116 bases into the intron before coding-DNA position 1770, C replaced by A.
Molecular consequence: intron variant.
Genome position (GRCh38, 1-based): chr9:135,770,741, C>A. VCF-style: chr9-135770741-C-A. GRCh37 (hg19) VCF-style: chr9-138662587-C-A.
Other names: c.1635-116C>A (NM_001272003.2).
Identifiers: ClinVar variation 677346 (VCV000677346.1), dbSNP rs143609496, ClinGen allele CA201473218.

ClinVar aggregate classification (germline): Likely benign (1 of 4 stars; one submission).

Allele frequency attached by ClinVar (database versions not stated): TOPMed 0.01290; 1000 Genomes Project 0.01378; 1000 Genomes Project 30x 0.01437.
gnomAD v4.1: 2,888 of 1,066,202 alleles (0.27%); highest among the groups gnomAD compares: African/African-American, 4.1%; 53 homozygotes.

Submission:

GeneDx
Classification: Likely benign. Last evaluated: 2018-06-14. Review status: criteria provided, single submitter. Criteria: GeneDx Variant Classification (06012015). Collection method: clinical testing. Allele origin: germline. Affected: yes.
Comment: This variant is considered likely benign or benign based on one or more of the following criteria: it is a conservative change, it occurs at a poorly conserved position in the protein, it is predicted to be benign by multiple in silico algorithms, and/or has population frequency not consistent with disease.